The following is an entry in ClinVar:

ClinVar aggregate classification (germline): Likely pathogenic (1 of 4 stars; one submission).

Allele frequency attached by ClinVar (database versions not stated): gnomAD exomes below 0.00001; ExAC 0.00001.
gnomAD v4.1: 2 of 1,612,248 alleles (0.00012%); highest among the groups gnomAD compares: South Asian, 0.0022%; no homozygotes.

Submission:

Labcorp Genetics (formerly Invitae), Labcorp
Classification: Likely pathogenic. Last evaluated: 2023-01-26. Review status: criteria provided, single submitter. Criteria: Invitae Variant Classification Sherloc (09022015). Collection method: clinical testing. Allele origin: germline.
Comment: In summary, the currently available evidence indicates that the variant is pathogenic, but additional data are needed to prove that conclusively. Therefore, this variant has been classified as Likely Pathogenic. Algorithms developed to predict the effect of sequence changes on RNA splicing suggest that this variant may disrupt the consensus splice site. This variant has not been reported in the literature in individuals affected with ACAD9-related conditions. This variant is present in population databases (rs769704279, gnomAD 0.003%). This sequence change affects an acceptor splice site in intron 2 of the ACAD9 gene. It is expected to disrupt RNA splicing. Variants that disrupt the donor or acceptor splice site typically lead to a loss of protein function (PMID: 16199547), and loss-of-function variants in ACAD9 are known to be pathogenic (PMID: 25721401).

Literature cited by the submitters: PubMed 16199547; PubMed 25721401.

NM_014049.5(ACAD9):c.245-2A>G

Gene: ACAD9 (acyl-CoA dehydrogenase family member 9; plus strand). Cytogenetic location: 3q21.3.
Variant type: single nucleotide variant.
Coding change: c.245-2A>G on transcript NM_014049.5 (MANE Select); the canonical splice acceptor site of the intron before coding-DNA position 245, A replaced by G.
Molecular consequence: splice acceptor variant.
Genome position (GRCh38, 1-based): chr3:128,893,553, A>G. VCF-style: chr3-128893553-A-G. GRCh37 (hg19) VCF-style: chr3-128612396-A-G.
Other names: c.-125-2A>G (NM_001410805.1).
Identifiers: ClinVar variation 2832111 (VCV002832111.3), dbSNP rs769704279, ClinGen allele CA2601102.